The following is an entry in ClinVar:

NM_022089.4(ATP13A2):c.3218G>A (p.Arg1073Gln)

Gene: ATP13A2 (ATPase cation transporting 13A2; minus strand). Cytogenetic location: 1p36.13.
Variant type: single nucleotide variant.
Coding change: c.3218G>A on transcript NM_022089.4 (MANE Select); coding-DNA position 3218, G replaced by A.
Protein change: p.Arg1073Gln; replaces arginine 1073 with glutamine.
Molecular consequence: missense variant.
Genome position (GRCh38, 1-based): chr1:16,986,822, C>T on the plus strand (G>A on the coding strand, the complement: ATP13A2 is on the minus strand). VCF-style: chr1-16986822-C-T. GRCh37 (hg19) VCF-style: chr1-17313317-C-T.
Other names: c.3218G>A (NM_022089.2); c.3203G>A, p.Arg1068Gln (NM_001141973.3); c.3086G>A, p.Arg1029Gln (NM_001141974.3); short protein forms R1029Q, R1073Q, R1068Q.
Identifiers: ClinVar variation 1420936 (VCV001420936.6), dbSNP rs747907490, ClinGen allele CA636575.

ClinVar aggregate classification (germline): Uncertain significance. Review status: criteria provided, multiple submitters, no conflicts (2 of 4 stars). 2 submissions from 2 submitters: Uncertain significance (2). Last evaluated 2021-10-11.

Conditions:
Inborn genetic diseases. Identifiers: MedGen C0950123, MeSH D030342.
Kufor-Rakeb syndrome (KRS). Also called: PARKINSON DISEASE 9, AUTOSOMAL RECESSIVE, JUVENILE-ONSET. Identifiers: Orphanet 306674, Orphanet 314632, MedGen C1847640, MONDO:0011706, OMIM 606693.
Autosomal recessive spastic paraplegia type 78. Identifiers: Orphanet 513436, MedGen C5567893, MONDO:0014975, OMIM 617225.

Allele frequency attached by ClinVar (database versions not stated): ExAC 0.00002; gnomAD 0.00002; gnomAD exomes 0.00002.
gnomAD v4.1: 26 of 1,612,786 alleles (0.0016%); highest among the groups gnomAD compares: Admixed American, 0.0033%; no homozygotes.

Submissions (2):

Labcorp Genetics (formerly Invitae), Labcorp
Classification: Uncertain significance for Kufor-Rakeb syndrome; Autosomal recessive spastic paraplegia type 78. Last evaluated: 2021-10-11. Review status: criteria provided, single submitter. Criteria: Invitae Variant Classification Sherloc (09022015). Collection method: clinical testing. Allele origin: germline.
Comment: In summary, the available evidence is currently insufficient to determine the role of this variant in disease. Therefore, it has been classified as a Variant of Uncertain Significance. This sequence change replaces arginine with glutamine at codon 1073 of the ATP13A2 protein (p.Arg1073Gln). The arginine residue is weakly conserved and there is a small physicochemical difference between arginine and glutamine. This variant is present in population databases (rs747907490, ExAC 0.003%). This variant has not been reported in the literature in individuals affected with ATP13A2-related conditions. Advanced modeling of protein sequence and biophysical properties (such as structural, functional, and spatial information, amino acid conservation, physicochemical variation, residue mobility, and thermodynamic stability) performed at Invitae indicates that this missense variant is not expected to disrupt ATP13A2 protein function. Algorithms developed to predict the effect of sequence changes on RNA splicing suggest that this variant may create or strengthen a splice site.

Ambry Genetics
Classification: Uncertain significance for Inborn genetic diseases. Last evaluated: 2021-09-27. Review status: criteria provided, single submitter. Criteria: Ambry Variant Classification Scheme 2023. Collection method: clinical testing. Allele origin: germline.